The following is an entry in ClinVar:

NM_001037.5(SCN1B):c.448+361C>A

Gene: SCN1B (sodium voltage-gated channel beta subunit 1; plus strand). Cytogenetic location: 19q13.11.
Variant type: single nucleotide variant.
Coding change: c.448+361C>A on transcript NM_001037.5 (MANE Select); 361 bases into the intron after coding-DNA position 448, C replaced by A.
Molecular consequence: intron variant. On other transcripts: 3 prime UTR variant (1).
Genome position (GRCh38, 1-based): chr19:35,034,100, C>A. VCF-style: chr19-35034100-C-A. GRCh37 (hg19) VCF-style: chr19-35525004-C-A.
Other names: c.*2C>A (NM_199037.5); c.349+361C>A (NM_001321605.2).
Identifiers: ClinVar variation 4819509 (VCV004819509.1).

ClinVar aggregate classification (germline): Uncertain significance (1 of 4 stars; one submission).

gnomAD v4.1: 2 of 1,551,630 alleles (0.00013%); highest among the groups gnomAD compares: African/African-American, 0.0027%; no homozygotes.

Submission:

GeneDx
Classification: Uncertain significance. Last evaluated: 2025-09-30. Review status: criteria provided, single submitter. Criteria: GeneDx Variant Classification Process June 2021. Collection method: clinical testing. Allele origin: germline. Affected: yes.
Comment: Not observed at significant frequency in large population cohorts (gnomAD); Nucleotide is not conserved across species and the substitution has no predicted effect on splicing; Alters the Kozak sequence, which plays a major role in the initiation of translation; Has not been previously published as pathogenic or benign to our knowledge